The following is an entry in ClinVar:

ClinVar aggregate classification (germline): Uncertain significance (1 of 4 stars; one submission).

Submission:

CeGaT Center for Human Genetics Tuebingen
Classification: Uncertain significance. Last evaluated: 2023-11-01. Review status: criteria provided, single submitter. Criteria: CeGaT Center For Human Genetics Tuebingen Variant Classification Criteria Version 2. Collection method: clinical testing. Allele origin: germline. Affected: yes. Observed: 1 variant allele.
Comment: CHD1: PM2, PP3

NM_001270.4(CHD1):c.3355C>G (p.Pro1119Ala)

Gene: CHD1 (chromodomain helicase DNA binding protein 1; minus strand). Cytogenetic location: 5q15.
Variant type: single nucleotide variant.
Coding change: c.3355C>G on transcript NM_001270.4 (MANE Select); coding-DNA position 3355, C replaced by G.
Protein change: p.Pro1119Ala; replaces proline 1119 with alanine.
Molecular consequence: missense variant. On other transcripts: non-coding transcript variant (2).
Genome position (GRCh38, 1-based): chr5:98,876,441, G>C on the plus strand (C>G on the coding strand, the complement: CHD1 is on the minus strand). VCF-style: chr5-98876441-G-C. GRCh37 (hg19) VCF-style: chr5-98212145-G-C.
Other names: c.3355C>G, p.Pro1119Ala (NM_001364113.3, NM_001376194.2); short protein forms P1119A.
Identifiers: ClinVar variation 2673020 (VCV002673020.23), dbSNP rs1749763921, ClinGen allele CA360524852.